The following is an entry in ClinVar:

ClinVar aggregate classification (germline): Likely benign (0 of 4 stars; one submission).

Conditions:
KRT8-related disorder. Also called: KRT8-related condition.

Allele frequency attached by ClinVar (database versions not stated): TOPMed 0.00003; gnomAD 0.00004; ESP Exome Variant Server 0.00008; 1000 Genomes Project 30x 0.00016; 1000 Genomes Project 0.00020.

Submission:

PreventionGenetics, part of Exact Sciences
Classification: Likely benign for KRT8-related condition. Last evaluated: 2019-08-06. Review status: no assertion criteria provided. Collection method: clinical testing. Allele origin: germline.
Comment: This variant is classified as likely benign based on ACMG/AMP sequence variant interpretation guidelines (Richards et al. 2015 PMID: 25741868, with internal and published modifications).

NM_002273.4(KRT8):c.573C>T (p.Asn191=)

Gene: KRT8 (keratin 8; minus strand). Cytogenetic location: 12q13.13.
Variant type: single nucleotide variant.
Coding change: c.573C>T on transcript NM_002273.4 (MANE Select); coding-DNA position 573, C replaced by T.
Protein change: p.Asn191=; no amino-acid change (asparagine 191 retained).
Molecular consequence: synonymous variant. On other transcripts: non-coding transcript variant (1).
Genome position (GRCh38, 1-based): chr12:52,901,180, G>A on the plus strand (C>T on the coding strand, the complement: KRT8 is on the minus strand). VCF-style: chr12-52901180-G-A. GRCh37 (hg19) VCF-style: chr12-53294964-G-A.
Other names: c.657C>T, p.Asn219= (NM_001256282.2); c.573C>T, p.Asn191= (NM_001256293.2).
Identifiers: ClinVar variation 3035440 (VCV003035440.2), dbSNP rs202170959, ClinGen allele CA6590509.